The following is an entry in ClinVar:

NM_001257180.2(SLC20A2):c.1828_1831del (p.Ser610fs)

Gene: SLC20A2 (solute carrier family 20 member 2; minus strand). Cytogenetic location: 8p11.21.
Variant type: Deletion.
Coding change: c.1828_1831del on transcript NM_001257180.2 (MANE Select); coding-DNA positions 1828 to 1831, 4 bases deleted (TCCC; older notation c.1828_1831delTCCC).
Protein change: p.Ser610fs; shifts the reading frame from serine 610.
Molecular consequence: frameshift variant.
Genome position (GRCh38, 1-based): chr8:42,417,931-42,417,934, GGGA deleted on the plus strand (TCCC on the coding strand, the reverse complement: SLC20A2 is on the minus strand); deleting any 4 consecutive bases within chr8:42,417,931-42,417,935 gives the same sequence; the c. name uses the placement nearest the transcript's 3' end. VCF-style (leftmost placement, unchanged base first): chr8-42417930-CGGGA-C. GRCh37 (hg19) VCF-style: chr8-42275448-CGGGA-C.
Other names: c.1828_1831del, p.Ser610fs (NM_001257181.2, NM_006749.5); c.1828_1831delTCCC (NM_001257180.1); c.1828_1831del (NM_001257180.1); short protein forms S610fs.
Identifiers: ClinVar variation 75231 (VCV000075231.8), dbSNP rs398122396, ClinGen allele CA266194.

ClinVar aggregate classification (germline): Likely pathogenic. Review status: criteria provided, single submitter (1 of 4 stars). 3 submissions from 3 submitters: Likely pathogenic (1). 2 of the submissions do not count toward it. Last evaluated 2024-07-19.

Conditions:
SLC20A2-related disorder. Also called: SLC20A2-related condition.
Idiopathic basal ganglia calcification 1 (PFBC1A). Also called: Familial Idiopathic Basal Ganglia Calcification 2; Cerebral calcification nonarteriosclerotic idiopathic adult-onset; Striopallidodentate calcinosis autosomal dominant adult-onset; Ferrocalcinosis, cerebrovascular; Fahr disease, familial (formerly); Familial Idiopathic Basal Ganglia Calcification 3. Identifiers: Orphanet 1980, MedGen C4551624, MONDO:0024538, OMIM 213600.

Submissions (3):

Blueprint Genetics
Classification: Likely pathogenic for SLC20A2-related disorders. Last evaluated: 2024-07-19. Review status: criteria provided, single submitter. Criteria: ACMG Guidelines, 2015. Collection method: clinical testing. Allele origin: germline. Affected: yes. Observed: 1 variant allele.

PreventionGenetics, part of Exact Sciences
Classification: Pathogenic for SLC20A2-related condition. Last evaluated: 2024-07-31. Review status: no assertion criteria provided. Collection method: clinical testing. Allele origin: germline. Not counted in ClinVar's aggregate classification.
Comment: The SLC20A2 c.1828_1831delTCCC variant is predicted to result in a frameshift and premature protein termination (p.Ser610Alafs*18). This variant occurs within the terminal exon of SLC20A2 and has been reported in nine members of a family presenting with idiopathic basal ganglia calcification (Family F2 in Hsu et al. 2013. PubMed ID: 23334463). Of note, an additional member of family F2 in Hsu et al. was reported as affected but did not have the variant. This variant has not been reported in a large population database, indicating this variant is rare. Frameshift variants in SLC20A2 are expected to be pathogenic and another truncating variant has been documented downstream of p.Ser610 (Hozumi et al. 2018. PubMed ID: 29627011). Based on this evidence, this variant is interpreted as pathogenic.

OMIM
Classification: Pathogenic for PRIMARY FAMILIAL BRAIN CALCIFICATION 1A, AUTOSOMAL DOMINANT. Last evaluated: 2013-02-01. Review status: no assertion criteria provided. Collection method: literature only. Allele origin: germline. Not counted in ClinVar's aggregate classification.

Literature cited by the submitters: PubMed 11810290 (cited by OMIM); PubMed 23334463 (cited by OMIM).